The following is an entry in ClinVar:

ClinVar aggregate classification (germline): Likely pathogenic (1 of 4 stars; one submission).

Conditions:
Rauch-Steindl syndrome (RAUST). Identifiers: Orphanet 659642, MedGen C5562061, MONDO:0859219, OMIM 619695.

Submission:

CGC Genetics, Unilabs
Classification: Likely pathogenic for Rauch-Steindl syndrome. Last evaluated: 2026-04-23. Review status: criteria provided, single submitter. Criteria: ACMG Guidelines, 2015. Collection method: clinical testing. Allele origin: germline. Inheritance: Autosomal dominant inheritance. Affected: yes. Observed: 1 variant allele.
Comment: The NM_001042424.3:c.1152dup p.(Glu385*) variant, detected as heterozygous in exon 5 (of 22) of the NSD2 gene (chr4), is not described in the literature or in the gnomAD and ClinVar databases. Given its nature (nonsense), the introduction of a premature stop codon is anticipated, leading to the production of a truncated protein and/or loss of expression due to mRNA degradation. Based on the information currently available, this should be classified as a likely pathogenic variant.

NM_001042424.3(NSD2):c.1152dup (p.Glu385Ter)

Gene: NSD2 (nuclear receptor binding SET domain protein 2; plus strand). Cytogenetic location: 4p16.3.
Variant type: Duplication.
Coding change: c.1152dup on transcript NM_001042424.3 (MANE Select); coding-DNA position 1152, one base duplicated (T; older notation c.1152dupT).
Protein change: p.Glu385Ter; replaces glutamic acid 385 with a stop codon.
Molecular consequence: nonsense.
Genome position (GRCh38, 1-based): chr4:1,918,365, T duplicated. VCF-style (leftmost placement, unchanged base first): chr4-1918364-C-CT. GRCh37 (hg19) VCF-style: chr4-1920091-C-CT.
Other names: c.1152dup, p.Glu385Ter (NM_001440892.1, NM_001440894.1, NM_001440895.1 and 8 more transcripts); c.1251dup, p.Glu418Ter (NM_001440893.1); c.183dup, p.Glu62Ter (NM_001440899.1, NM_001440900.1); short protein forms E385*, E418*, E62*.
Identifiers: ClinVar variation 4851607 (VCV004851607.1).